The following is an entry in ClinVar:

NM_014112.5(TRPS1):c.140A>G (p.Asn47Ser)

Gene: TRPS1 (transcriptional repressor GATA binding 1; minus strand). Cytogenetic location: 8q23.3.
Variant type: single nucleotide variant.
Coding change: c.140A>G on transcript NM_014112.5 (MANE Select); coding-DNA position 140, A replaced by G.
Protein change: p.Asn47Ser; replaces asparagine 47 with serine.
Molecular consequence: missense variant.
Genome position (GRCh38, 1-based): chr8:115,619,958, T>C on the plus strand (A>G on the coding strand, the complement: TRPS1 is on the minus strand). VCF-style: chr8-115619958-T-C. GRCh37 (hg19) VCF-style: chr8-116632185-T-C.
Other names: c.113A>G, p.Asn38Ser (NM_001282902.3); c.119A>G, p.Asn40Ser (NM_001282903.3); c.101A>G, p.Asn34Ser (NM_001330599.2); short protein forms N40S, N38S, N47S, N34S.
Identifiers: ClinVar variation 1930996 (VCV001930996.3), dbSNP rs774896897, ClinGen allele CA4852047.

ClinVar aggregate classification (germline): Uncertain significance (1 of 4 stars; one submission).

Conditions:
Trichorhinophalangeal syndrome, type III (TRPS3). Also called: SUGIO-KAJII SYNDROME. Identifiers: Orphanet 77258, MedGen C1860823, OMIM 190351, MONDO:0008597.
Trichorhinophalangeal dysplasia type I (TRPS1). Also called: TRICHORHINOPHALANGEAL SYNDROME, TYPE I; TRPS I. Identifiers: Orphanet 77258, MedGen C0432233, MONDO:0008596, OMIM 190350.

Allele frequency attached by ClinVar (database versions not stated): gnomAD 0.00001; ExAC 0.00002.
gnomAD v4.1: 6 of 1,614,106 alleles (0.00037%); highest among the groups gnomAD compares: Middle Eastern, 0.016%; no homozygotes.

Submission:

Labcorp Genetics (formerly Invitae), Labcorp
Classification: Uncertain significance for Trichorhinophalangeal syndrome, type III; Trichorhinophalangeal dysplasia type I. Last evaluated: 2025-04-17. Review status: criteria provided, single submitter. Criteria: Invitae Variant Classification Sherloc (09022015). Collection method: clinical testing. Allele origin: germline.
Comment: This sequence change replaces asparagine, which is neutral and polar, with serine, which is neutral and polar, at codon 47 of the TRPS1 protein (p.Asn47Ser). This variant is present in population databases (rs774896897, gnomAD 0.002%). This variant has not been reported in the literature in individuals affected with TRPS1-related conditions. ClinVar contains an entry for this variant (Variation ID: 1930996). Invitae Evidence Modeling of protein sequence and biophysical properties (such as structural, functional, and spatial information, amino acid conservation, physicochemical variation, residue mobility, and thermodynamic stability) indicates that this missense variant is not expected to disrupt TRPS1 protein function with a negative predictive value of 80%. In summary, the available evidence is currently insufficient to determine the role of this variant in disease. Therefore, it has been classified as a Variant of Uncertain Significance.